The following is an entry in ClinVar:

ClinVar aggregate classification (germline): Uncertain significance (1 of 4 stars; one submission).

Conditions:
Dilated cardiomyopathy 1M (CMD1M). Identifiers: Orphanet 154, MedGen C1843808, MONDO:0011840, OMIM 607482.
Hypertrophic cardiomyopathy 12. Identifiers: MedGen C2677491, MONDO:0012804, OMIM 612124.

gnomAD v4.1: 3 of 1,614,090 alleles (0.00019%); highest among the groups gnomAD compares: African/African-American, 0.0013%; no homozygotes.

Submission:

Labcorp Genetics (formerly Invitae), Labcorp
Classification: Uncertain significance for Hypertrophic cardiomyopathy 12; Dilated cardiomyopathy 1M. Last evaluated: 2024-12-26. Review status: criteria provided, single submitter. Criteria: Invitae Variant Classification Sherloc (09022015). Collection method: clinical testing. Allele origin: germline.
Comment: This sequence change replaces threonine, which is neutral and polar, with lysine, which is basic and polar, at codon 179 of the CSRP3 protein (p.Thr179Lys). This variant is not present in population databases (gnomAD no frequency). This variant has not been reported in the literature in individuals affected with CSRP3-related conditions. An algorithm developed to predict the effect of missense changes on protein structure and function (PolyPhen-2) suggests that this variant is likely to be tolerated. Algorithms developed to predict the effect of sequence changes on RNA splicing suggest that this variant may disrupt the consensus splice site. In summary, the available evidence is currently insufficient to determine the role of this variant in disease. Therefore, it has been classified as a Variant of Uncertain Significance.

NM_003476.5(CSRP3):c.536C>A (p.Thr179Lys)

Gene: CSRP3 (cysteine and glycine rich protein 3; minus strand). Cytogenetic location: 11p15.1.
Variant type: single nucleotide variant.
Coding change: c.536C>A on transcript NM_003476.5 (MANE Select); coding-DNA position 536, C replaced by A.
Protein change: p.Thr179Lys; replaces threonine 179 with lysine.
Molecular consequence: missense variant. On other transcripts: synonymous variant (1).
Genome position (GRCh38, 1-based): chr11:19,182,719, G>T on the plus strand (C>A on the coding strand, the complement: CSRP3 is on the minus strand). VCF-style: chr11-19182719-G-T. GRCh37 (hg19) VCF-style: chr11-19204266-G-T.
Other names: c.367C>A, p.Arg123= (NM_001369404.1); short protein forms T179K.
Identifiers: ClinVar variation 3748937 (VCV003748937.2).